The following is an entry in ClinVar:

NM_001191057.4(PDE1C):c.2075A>G (p.Gln692Arg)

Gene: PDE1C (phosphodiesterase 1C; minus strand). Cytogenetic location: 7p14.3.
Variant type: single nucleotide variant.
Coding change: c.2075A>G on transcript NM_001191057.4 (MANE Select); coding-DNA position 2075, A replaced by G.
Protein change: p.Gln692Arg; replaces glutamine 692 with arginine.
Molecular consequence: missense variant.
Genome position (GRCh38, 1-based): chr7:31,753,439, T>C on the plus strand (A>G on the coding strand, the complement: PDE1C is on the minus strand). VCF-style: chr7-31753439-T-C. GRCh37 (hg19) VCF-style: chr7-31793053-T-C.
Other names: c.2255A>G, p.Gln752Arg (NM_001191058.4); c.2075A>G, p.Gln692Arg (NM_001191059.4, NM_001322055.2); short protein forms Q692R, Q752R.
Identifiers: ClinVar variation 3351591 (VCV003351591.1).

ClinVar aggregate classification (germline): Likely benign (0 of 4 stars; one submission).

Conditions:
PDE1C-related disorder. Also called: PDE1C-related condition.

gnomAD v4.1: 20 of 1,612,642 alleles (0.0012%); highest among the groups gnomAD compares: East Asian, 0.038%; no homozygotes.

Submission:

PreventionGenetics, part of Exact Sciences
Classification: Likely benign for PDE1C-related condition. Last evaluated: 2024-08-14. Review status: no assertion criteria provided. Collection method: clinical testing. Allele origin: germline.
Comment: This variant is classified as likely benign based on ACMG/AMP sequence variant interpretation guidelines (Richards et al. 2015 PMID: 25741868, with internal and published modifications).